The following is an entry in ClinVar:

ClinVar aggregate classification (germline): Uncertain significance (1 of 4 stars; one submission).

Conditions:
Inborn genetic diseases. Identifiers: MedGen C0950123, MeSH D030342.

Submission:

Ambry Genetics
Classification: Uncertain significance for Inborn genetic diseases. Last evaluated: 2025-05-02. Review status: criteria provided, single submitter. Criteria: Ambry Variant Classification Scheme 2023. Collection method: clinical testing. Allele origin: germline.
Comment: The p.D1025H variant (also known as c.3073G>C), located in coding exon 14 of the MECOM gene, results from a G to C substitution at nucleotide position 3073. The aspartic acid at codon 1025 is replaced by histidine, an amino acid with similar properties. This amino acid position is conserved. In addition, the in silico prediction for this alteration is inconclusive. Based on the available evidence, the clinical significance of this variant remains unclear.

NM_004991.4(MECOM):c.3073G>C (p.Asp1025His)

Gene: MECOM (MDS1 and EVI1 complex locus; minus strand). Cytogenetic location: 3q26.2.
Variant type: single nucleotide variant.
Coding change: c.3073G>C on transcript NM_004991.4 (MANE Select); coding-DNA position 3073, G replaced by C.
Protein change: p.Asp1025His; replaces aspartic acid 1025 with histidine.
Molecular consequence: missense variant.
Genome position (GRCh38, 1-based): chr3:169,093,049, C>G on the plus strand (G>C on the coding strand, the complement: MECOM is on the minus strand). VCF-style: chr3-169093049-C-G. GRCh37 (hg19) VCF-style: chr3-168810837-C-G.
Other names: c.2704G>C, p.Asp902His (NM_001105077.4); c.2509G>C, p.Asp837His (NM_001105078.4, NM_001205194.2, NM_001366469.2 and 1 more transcripts); c.2485G>C, p.Asp829His (NM_001163999.2, NM_001366470.2); c.2482G>C, p.Asp828His (NM_001164000.2, NM_001366471.2, NM_001366472.2); c.3046G>C, p.Asp1016His (NM_001366466.2); c.2512G>C, p.Asp838His (NM_001366467.2, NM_001366468.2); c.2074G>C, p.Asp692His (NM_001366473.2); c.1510G>C, p.Asp504His (NM_001366474.2); short protein forms D1025H, D902H, D828H, D829H, D1016H, D504H, D692H, D838H.
Identifiers: ClinVar variation 4053229 (VCV004053229.1).